The following is an entry in ClinVar:

ClinVar aggregate classification (germline): Benign/Likely benign. Review status: criteria provided, multiple submitters, no conflicts (2 of 4 stars). 5 submissions from 5 submitters: Benign (1); Likely benign (3). 1 of the submissions does not count toward it. Last evaluated 2024-09-13.

Conditions:
Polycystic kidney disease, adult type (PKD1). Also called: POLYCYSTIC KIDNEY DISEASE 1 WITH OR WITHOUT POLYCYSTIC LIVER DISEASE; Polycystic Kidney Disease 1, Autosomal Dominant; Polycystic kidney disease 1; Polycystic kidney disease 1, severe; Polycystic Kidney, Autosomal Dominant; POLYCYSTIC KIDNEY DISEASE, ADULT, TYPE I. Identifiers: MedGen C3149841, MONDO:0008263, OMIM 173900.

Allele frequency attached by ClinVar (database versions not stated): gnomAD exomes 0.00028 and 0.00044; ESP Exome Variant Server 0.00052; ExAC 0.00080; gnomAD 0.00112 and 0.00113; 1000 Genomes Project 0.00200; 1000 Genomes Project 30x 0.00219.
gnomAD v4.1: 571 of 1,507,316 alleles (0.038%); highest among the groups gnomAD compares: African/African-American, 0.39%; 7 homozygotes.

Submissions (5):

Blueprint Genetics
Classification: Likely benign. Last evaluated: 2024-09-13. Review status: criteria provided, single submitter. Criteria: ACMG Guidelines, 2015. Collection method: clinical testing. Allele origin: germline.

CeGaT Center for Human Genetics Tuebingen
Classification: Benign. Last evaluated: 2022-07-01. Review status: criteria provided, single submitter. Criteria: CeGaT Center For Human Genetics Tuebingen Variant Classification Criteria Version 2. Collection method: clinical testing. Allele origin: germline. Affected: yes. Observed: 1 variant allele.
Comment: PKD1: BS1, BS2

Fulgent Genetics
Classification: Likely benign for Polycystic kidney disease, adult type. Last evaluated: 2021-09-01. Review status: criteria provided, single submitter. Criteria: ACMG Guidelines, 2015. Collection method: clinical testing. Allele origin: unknown.

PreventionGenetics, part of Exact Sciences
Classification: Likely benign. Review status: criteria provided, single submitter. Criteria: ACMG Guidelines, 2015. Collection method: clinical testing. Allele origin: germline.

Department of Pathology and Laboratory Medicine, Sinai Health System
Classification: Likely benign. Review status: no assertion criteria provided. Collection method: clinical testing. Allele origin: unknown. Affected: yes. Study: The Canadian Open Genetics Repository (COGR). Not counted in ClinVar's aggregate classification.
Comment: The PKD1 c.8161+12C>T variant was not identified in the literature. The c.8161+12C>T variant was identified in dbSNP (ID: rs375283810) as â€šÃ„ÃºNAâ€šÃ„Ã¹ and ADPKD Mutation Database (as likely neutral). The c.8161+12C>T variant was identified in the 1000 Genomes Project in 10 of 5000 chromosomes (frequency: 0.002), NHLBI GO Exome Sequencing Project in 3 of 7768 European American and in 3 of 3774 African American alleles. The variant also was identified in the Exome Aggregation Consortium database (March 14, 2016) in 15 of 18810 chromosomes (freq. 0.0008) in the following populations: European (Non-Finnish) in 8 of 7356 chromosomes (freq. 0.001), African in 5 of 1234 chromosomes (freq. 0.004), South Asian in 1 of 8084 chromosomes (freq. 0.0001), and Other in 1 of 166 chromosomes (freq. 0.006), but was not seen in East Asian, Finnish and Latino populations, increasing the likelihood this could be a low frequency benign variant in some populations. However we cannot be certain that data from control databases is specific to PKD1 and not from one of the six PKD1 pseudogenes. The c.8161+12C>T variant is located in the 5' splice region but does not affect the invariant +1 and +2 positions. In addition, in silico or computational prediction software programs (SpliceSiteFinder, MaxEntScan, NNSPLICE, GeneSplicer, HumanSpliceFinder) do not predict a difference in splicing. In summary, based on the above information, this variant meets our laboratory's criteria to be classified as likely benign.

NM_001009944.3(PKD1):c.8161+12C>T

Gene: PKD1 (polycystin 1, transient receptor potential channel interacting; minus strand). Cytogenetic location: 16p13.3.
Variant type: single nucleotide variant.
Coding change: c.8161+12C>T on transcript NM_001009944.3 (MANE Select); 12 bases into the intron after coding-DNA position 8161, C replaced by T.
Molecular consequence: intron variant.
Genome position (GRCh38, 1-based): chr16:2,104,486, G>A on the plus strand (C>T on the coding strand, the complement: PKD1 is on the minus strand). VCF-style: chr16-2104486-G-A. GRCh37 (hg19) VCF-style: chr16-2154487-G-A.
Other names: c.8161+12C>T (NM_000296.4).
Identifiers: ClinVar variation 257012 (VCV000257012.29), dbSNP rs375283810, ClinGen allele CA7830699.